The following is an entry in ClinVar:

NM_003664.5(AP3B1):c.2162C>G (p.Ser721Cys)

Gene: AP3B1 (adaptor related protein complex 3 subunit beta 1; minus strand). Cytogenetic location: 5q14.1.
Variant type: single nucleotide variant.
Coding change: c.2162C>G on transcript NM_003664.5 (MANE Select); coding-DNA position 2162, C replaced by G.
Protein change: p.Ser721Cys; replaces serine 721 with cysteine.
Molecular consequence: missense variant.
Genome position (GRCh38, 1-based): chr5:78,113,839, G>C on the plus strand (C>G on the coding strand, the complement: AP3B1 is on the minus strand). VCF-style: chr5-78113839-G-C. GRCh37 (hg19) VCF-style: chr5-77409663-G-C.
Other names: c.2015C>G, p.Ser672Cys (NM_001271769.2); short protein forms S721C, S672C.
Identifiers: ClinVar variation 1444963 (VCV001444963.5), dbSNP rs2112260253, ClinGen allele CA360183624.

ClinVar aggregate classification (germline): Uncertain significance (1 of 4 stars; one submission).

Conditions:
Hermansky-Pudlak syndrome 2 (HPS2). Also called: Platelet defects and oculocutaneous albinism. Identifiers: Orphanet 183678, Orphanet 79430, MedGen C1842362, MONDO:0011997, OMIM 608233.

gnomAD v4.1: 8 of 1,614,118 alleles (0.0005%); highest among the groups gnomAD compares: African/African-American, 0.0013%; no homozygotes.

Submission:

Labcorp Genetics (formerly Invitae), Labcorp
Classification: Uncertain significance for Hermansky-Pudlak syndrome 2. Last evaluated: 2025-02-17. Review status: criteria provided, single submitter. Criteria: Invitae Variant Classification Sherloc (09022015). Collection method: clinical testing. Allele origin: germline.
Comment: This sequence change replaces serine, which is neutral and polar, with cysteine, which is neutral and slightly polar, at codon 721 of the AP3B1 protein (p.Ser721Cys). This variant is not present in population databases (gnomAD no frequency). This variant has not been reported in the literature in individuals affected with AP3B1-related conditions. ClinVar contains an entry for this variant (Variation ID: 1444963). An algorithm developed to predict the effect of missense changes on protein structure and function (PolyPhen-2) suggests that this variant is likely to be disruptive. In summary, the available evidence is currently insufficient to determine the role of this variant in disease. Therefore, it has been classified as a Variant of Uncertain Significance.